The following is an entry in ClinVar:

ClinVar aggregate classification (germline): Uncertain significance (1 of 4 stars; one submission).

Allele frequency attached by ClinVar (database versions not stated): ExAC 0.00006; gnomAD 0.00020; TOPMed 0.00022; ESP Exome Variant Server 0.00023; 1000 Genomes Project 30x 0.00078; 1000 Genomes Project 0.00080.
gnomAD v4.1: 56 of 1,612,446 alleles (0.0035%); highest among the groups gnomAD compares: African/African-American, 0.069%; no homozygotes.

Submission:

Labcorp Genetics (formerly Invitae), Labcorp
Classification: Uncertain significance. Last evaluated: 2022-08-09. Review status: criteria provided, single submitter. Criteria: Invitae Variant Classification Sherloc (09022015). Collection method: clinical testing. Allele origin: germline.
Comment: This sequence change replaces glutamic acid, which is acidic and polar, with aspartic acid, which is acidic and polar, at codon 111 of the GOT2 protein (p.Glu111Asp). This variant is present in population databases (rs140045671, gnomAD 0.07%). This variant has not been reported in the literature in individuals affected with GOT2-related conditions. Algorithms developed to predict the effect of missense changes on protein structure and function (SIFT, PolyPhen-2, Align-GVGD) all suggest that this variant is likely to be tolerated. In summary, the available evidence is currently insufficient to determine the role of this variant in disease. Therefore, it has been classified as a Variant of Uncertain Significance.

NM_002080.4(GOT2):c.333A>C (p.Glu111Asp)

Gene: GOT2 (glutamic-oxaloacetic transaminase 2; minus strand). Cytogenetic location: 16q21.
Variant type: single nucleotide variant.
Coding change: c.333A>C on transcript NM_002080.4 (MANE Select); coding-DNA position 333, A replaced by C.
Protein change: p.Glu111Asp; replaces glutamic acid 111 with aspartic acid.
Molecular consequence: missense variant. On other transcripts: intron variant (1).
Genome position (GRCh38, 1-based): chr16:58,722,192, T>G on the plus strand (A>C on the coding strand, the complement: GOT2 is on the minus strand). VCF-style: chr16-58722192-T-G. GRCh37 (hg19) VCF-style: chr16-58756096-T-G.
Other names: c.246+1554A>C (NM_001286220.2); short protein forms E111D.
Identifiers: ClinVar variation 2077580 (VCV002077580.1), dbSNP rs140045671, ClinGen allele CA8091086.
Genomic context (GRCh38, chr16:58,722,192, plus strand): 5'-AGAGCCTGCTCAGCTTACCCGGCCACTCTTCAAGACTTCGCTGTTCTCACCCAGGGCTAG[T>G]TCTGCAGATGCCTTGCAAAATTCAGCCAGTCCCCCAATGGGCAGGTATTCCTTGTCCAAA-3'
Protein context (NP_002071.2, residues 101-121): GLAEFCKASA[Glu111Asp]LALGENSEVL